The following is an entry in ClinVar:

ClinVar aggregate classification (germline): Likely benign (0 of 4 stars; one submission).

Conditions:
FAT4-related disorder. Also called: FAT4-related condition.

gnomAD v4.1: 5 of 1,613,420 alleles (0.00031%); highest among the groups gnomAD compares: African/African-American, 0.004%; no homozygotes.

Submission:

PreventionGenetics, part of Exact Sciences
Classification: Likely benign for FAT4-related condition. Last evaluated: 2020-02-18. Review status: no assertion criteria provided. Collection method: clinical testing. Allele origin: germline.
Comment: This variant is classified as likely benign based on ACMG/AMP sequence variant interpretation guidelines (Richards et al. 2015 PMID: 25741868, with internal and published modifications).

NM_001291303.3(FAT4):c.7725G>T (p.Thr2575=)

Gene: FAT4 (FAT atypical cadherin 4; plus strand). Cytogenetic location: 4q28.1.
Variant type: single nucleotide variant.
Coding change: c.7725G>T on transcript NM_001291303.3 (MANE Select); coding-DNA position 7725, G replaced by T.
Protein change: p.Thr2575=; no amino-acid change (threonine 2575 retained).
Molecular consequence: synonymous variant.
Genome position (GRCh38, 1-based): chr4:125,448,735, G>T. VCF-style: chr4-125448735-G-T. GRCh37 (hg19) VCF-style: chr4-126369890-G-T.
Other names: c.7725G>T, p.Thr2575= (NM_001291285.3); c.7719G>T, p.Thr2573= (NM_024582.6).
Identifiers: ClinVar variation 3051232 (VCV003051232.2), dbSNP rs140288688, ClinGen allele CA104878878.